The following is an entry in ClinVar:

ClinVar aggregate classification (germline): Uncertain significance (1 of 4 stars; one submission).

Submission:

GeneDx
Classification: Uncertain significance. Last evaluated: 2024-04-05. Review status: criteria provided, single submitter. Criteria: GeneDx Variant Classification Process June 2021. Collection method: clinical testing. Allele origin: germline. Affected: yes.
Comment: Not observed at significant frequency in large population cohorts (gnomAD); In silico analysis supports that this missense variant has a deleterious effect on protein structure/function; Has not been previously published as pathogenic or benign to our knowledge

NM_001112741.2(KCNC1):c.43G>A (p.Gly15Ser)

Gene: KCNC1 (potassium voltage-gated channel subfamily C member 1; plus strand). Cytogenetic location: 11p15.1.
Variant type: single nucleotide variant.
Coding change: c.43G>A on transcript NM_001112741.2 (MANE Select); coding-DNA position 43, G replaced by A.
Protein change: p.Gly15Ser; replaces glycine 15 with serine.
Molecular consequence: missense variant.
Genome position (GRCh38, 1-based): chr11:17,736,045, G>A. VCF-style: chr11-17736045-G-A. GRCh37 (hg19) VCF-style: chr11-17757592-G-A.
Other names: c.43G>A, p.Gly15Ser (NM_004976.4); short protein forms G15S.
Identifiers: ClinVar variation 3372102 (VCV003372102.1).